The following is an entry in ClinVar:

NM_004304.5(ALK):c.3839C>A (p.Ala1280Glu)

Gene: ALK (ALK receptor tyrosine kinase; minus strand). Cytogenetic location: 2p23.2.
Variant type: single nucleotide variant.
Coding change: c.3839C>A on transcript NM_004304.5 (MANE Select); coding-DNA position 3839, C replaced by A.
Protein change: p.Ala1280Glu; replaces alanine 1280 with glutamic acid.
Molecular consequence: missense variant.
Genome position (GRCh38, 1-based): chr2:29,207,270, G>T on the plus strand (C>A on the coding strand, the complement: ALK is on the minus strand). VCF-style: chr2-29207270-G-T. GRCh37 (hg19) VCF-style: chr2-29430136-G-T.
Other names: c.3839C>A (NM_004304.4); c.635C>A, p.Ala212Glu (NM_001353765.2); short protein forms A1280E, A212E.
Identifiers: ClinVar variation 2802603 (VCV002802603.4), dbSNP rs74716434, ClinGen allele CA346469062.

ClinVar aggregate classification (germline): Uncertain significance. Review status: criteria provided, multiple submitters, no conflicts (2 of 4 stars). 2 submissions from 2 submitters: Uncertain significance (2). Last evaluated 2025-07-10.

Conditions:
Neuroblastoma, susceptibility to, 3. Also called: ALK-Related Neuroblastic Tumor Susceptibility. Identifiers: Orphanet 635, MedGen C2751681, MONDO:0013083, OMIM 613014.
Hereditary cancer-predisposing syndrome. Also called: Hereditary neoplastic syndrome; Neoplastic Syndromes, Hereditary; Tumor predisposition; Hereditary Cancer Syndrome. Identifiers: Orphanet 140162, MedGen C0027672, MeSH D009386, MONDO:0015356.

gnomAD v4.1: 1 of 1,613,720 alleles (0.000062%); highest among the groups gnomAD compares: Non-Finnish European, 0.000085%; no homozygotes.

Submissions (2):

Ambry Genetics
Classification: Uncertain significance for Hereditary cancer-predisposing syndrome. Last evaluated: 2025-07-10. Review status: criteria provided, single submitter. Criteria: Ambry Variant Classification Scheme 2023. Collection method: clinical testing. Allele origin: germline.
Comment: The p.A1280E variant (also known as c.3839C>A), located in coding exon 26 of the ALK gene, results from a C to A substitution at nucleotide position 3839. The alanine at codon 1280 is replaced by glutamic acid, an amino acid with dissimilar properties. This amino acid position is conserved. In addition, this alteration is predicted to be deleterious by in silico analysis. Based on the available evidence, the clinical significance of this variant remains unclear.

Labcorp Genetics (formerly Invitae), Labcorp
Classification: Uncertain significance for Neuroblastoma, susceptibility to, 3. Last evaluated: 2023-10-27. Review status: criteria provided, single submitter. Criteria: Invitae Variant Classification Sherloc (09022015). Collection method: clinical testing. Allele origin: germline.
Comment: This sequence change replaces alanine, which is neutral and non-polar, with glutamic acid, which is acidic and polar, at codon 1280 of the ALK protein (p.Ala1280Glu). This variant is not present in population databases (gnomAD no frequency). This variant has not been reported in the literature in individuals affected with ALK-related conditions. An algorithm developed to predict the effect of missense changes on protein structure and function (PolyPhen-2) suggests that this variant is likely to be disruptive. In summary, the available evidence is currently insufficient to determine the role of this variant in disease. Therefore, it has been classified as a Variant of Uncertain Significance.